The following is an entry in ClinVar:

NM_001145809.2(MYH14):c.3595C>T (p.Arg1199Cys)

Gene: MYH14 (myosin heavy chain 14; plus strand). Cytogenetic location: 19q13.33.
Variant type: single nucleotide variant.
Coding change: c.3595C>T on transcript NM_001145809.2 (MANE Select); coding-DNA position 3595, C replaced by T.
Protein change: p.Arg1199Cys; replaces arginine 1199 with cysteine.
Molecular consequence: missense variant.
Genome position (GRCh38, 1-based): chr19:50,276,118, C>T. VCF-style: chr19-50276118-C-T. GRCh37 (hg19) VCF-style: chr19-50779375-C-T.
Other names: c.3496C>T, p.Arg1166Cys (NM_001077186.2); c.3472C>T, p.Arg1158Cys (NM_024729.4); short protein forms R1199C, R1158C, R1166C.
Identifiers: ClinVar variation 1467924 (VCV001467924.13), dbSNP rs371244397, ClinGen allele CA9593263.

ClinVar aggregate classification (germline): Uncertain significance. Review status: criteria provided, multiple submitters, no conflicts (2 of 4 stars). 3 submissions from 3 submitters: Uncertain significance (3). Last evaluated 2026-08-20.

Conditions:
Inborn genetic diseases. Identifiers: MedGen C0950123, MeSH D030342.

Allele frequency attached by ClinVar (database versions not stated): ESP Exome Variant Server 0.00008; gnomAD exomes 0.00003 and 0.00004; TOPMed 0.00003; gnomAD 0.00004; ExAC 0.00007.
gnomAD v4.1: 65 of 1,599,906 alleles (0.0041%); highest among the groups gnomAD compares: Non-Finnish European, 0.0049%; no homozygotes.

Submissions (3):

GeneDx
Classification: Uncertain significance. Last evaluated: 2026-08-20. Review status: criteria provided, single submitter. Criteria: GeneDx Variant Classification Process June 2021. Collection method: clinical testing. Allele origin: germline.
Comment: In silico analysis supports that this missense variant has a deleterious effect on protein structure/function; Has not been previously published as pathogenic or benign to our knowledge

Labcorp Genetics (formerly Invitae), Labcorp
Classification: Uncertain significance. Last evaluated: 2022-09-27. Review status: criteria provided, single submitter. Criteria: Invitae Variant Classification Sherloc (09022015). Collection method: clinical testing. Allele origin: germline.
Comment: This sequence change replaces arginine, which is basic and polar, with cysteine, which is neutral and slightly polar, at codon 1158 of the MYH14 protein (p.Arg1158Cys). The frequency data for this variant in the population databases is considered unreliable, as metrics indicate poor data quality at this position in the gnomAD database. This variant has not been reported in the literature in individuals affected with MYH14-related conditions. ClinVar contains an entry for this variant (Variation ID: 1467924). Advanced modeling of protein sequence and biophysical properties (such as structural, functional, and spatial information, amino acid conservation, physicochemical variation, residue mobility, and thermodynamic stability) performed at Invitae indicates that this missense variant is expected to disrupt MYH14 protein function. In summary, the available evidence is currently insufficient to determine the role of this variant in disease. Therefore, it has been classified as a Variant of Uncertain Significance.

Ambry Genetics
Classification: Uncertain significance for Inborn genetic diseases. Last evaluated: 2020-08-04. Review status: criteria provided, single submitter. Criteria: Ambry Variant Classification Scheme 2023. Collection method: clinical testing. Allele origin: germline.
Comment: The alteration results in an amino acid change:_x000D_ _x000D_ The c.3472C>T (p.R1158C) alteration is located in exon 26 (coding exon 25) of the MYH14 gene. This alteration results from a C to T substitution at nucleotide position 3472, causing the arginine (R) at amino acid position 1158 to be replaced by a cysteine (C). The alteration has been observed in population databases:_x000D_ _x000D_ Based on data from the Genome Aggregation Database (gnomAD) database, the MYH14 c.3472C>T alteration was observed in 0.0032% (8/248,486) of total alleles studied. The altered amino acid is not conserved throughout evolution:_x000D_ _x000D_ The p.R1158 amino acid is not conserved in available vertebrate species. The alteration is predicted tolerated by in silico modeling:_x000D_ _x000D_ The p.R1158C alteration is predicted to be tolerated by in silico analysis. Based on insufficient or conflicting evidence, the clinical significance of this alteration remains unclear.